The following is an entry in ClinVar:

ClinVar aggregate classification (germline): Uncertain significance. Review status: criteria provided, multiple submitters, no conflicts (2 of 4 stars). 2 submissions from 2 submitters: Uncertain significance (2). Last evaluated 2022-08-26.

Conditions:
Alkuraya-Kucinskas syndrome. Identifiers: Orphanet 610569, MedGen C4693347, MONDO:0060631, OMIM 617822.

Allele frequency attached by ClinVar (database versions not stated): gnomAD exomes below 0.00001; TOPMed below 0.00001.
gnomAD v4.1: 2 of 1,611,482 alleles (0.00012%); highest among the groups gnomAD compares: Non-Finnish European, 0.00017%; no homozygotes.

Submissions (2):

GeneDx
Classification: Uncertain significance. Last evaluated: 2022-08-26. Review status: criteria provided, single submitter. Criteria: GeneDx Variant Classification Process June 2021. Collection method: clinical testing. Allele origin: germline. Affected: yes.
Comment: Not observed at significant frequency in large population cohorts (gnomAD); In silico analysis supports that this missense variant has a deleterious effect on protein structure/function; Has not been previously published as pathogenic or benign to our knowledge

Dubai Health Genomic Medicine Center, Dubai Health
Classification: Uncertain significance for Alkuraya-Kucinskas syndrome. Last evaluated: 2020-08-04. Review status: criteria provided, single submitter. Criteria: ACMG Guidelines, 2015. Collection method: clinical testing. Allele origin: germline. Affected: yes.
Comment: The p.Arg50Trp missense variant in KIAA1109 has not been previously reported in individuals with disease and was absent from large population studies such as the Genome Aggregation Database (gnomAD) and the Greater Middle East (GME) Variome Database. Computational prediction tools and conservation analysis suggest an impact to protein function though this information is not predictive enough to confirm pathogenicity. In summary more information is needed to determine the clinical significance of this variant.

NM_001384125.1(BLTP1):c.148C>T (p.Arg50Trp)

Gene: BLTP1 (bridge-like lipid transfer protein family member 1; plus strand). Cytogenetic location: 4q27.
Variant type: single nucleotide variant.
Coding change: c.148C>T on transcript NM_001384125.1 (MANE Select); coding-DNA position 148, C replaced by T.
Protein change: p.Arg50Trp; replaces arginine 50 with tryptophan.
Molecular consequence: missense variant.
Genome position (GRCh38, 1-based): chr4:122,173,086, C>T. VCF-style: chr4-122173086-C-T. GRCh37 (hg19) VCF-style: chr4-123094241-C-T.
Other names: c.148C>T, p.Arg50Trp (NM_015312.4); short protein forms R50W.
Identifiers: ClinVar variation 1301723 (VCV001301723.3), dbSNP rs1735635931, ClinGen allele CA358067204.